The following is an entry in ClinVar:

NM_007294.4(BRCA1):c.5076T>A (p.Asp1692Glu)

Gene: BRCA1 (BRCA1 DNA repair associated; minus strand). Cytogenetic location: 17q21.31.
Variant type: single nucleotide variant.
Coding change: c.5076T>A on transcript NM_007294.4 (MANE Select); coding-DNA position 5076, T replaced by A.
Protein change: p.Asp1692Glu; replaces aspartic acid 1692 with glutamic acid.
Molecular consequence: missense variant. On other transcripts: non-coding transcript variant (1).
Genome position (GRCh38, 1-based): chr17:43,063,950, A>T on the plus strand (T>A on the coding strand, the complement: BRCA1 is on the minus strand). VCF-style: chr17-43063950-A-T. GRCh37 (hg19) VCF-style: chr17-41215967-A-T.
Other names: c.4863T>A, p.Asp1621Glu (NM_001407571.1, NM_001407894.1, NM_001407895.1 and 12 more transcripts); c.5142T>A, p.Asp1714Glu (NM_001407581.1, NM_001407582.1); c.5139T>A, p.Asp1713Glu (NM_001407583.1, NM_001407585.1, NM_001407587.1 and 1 more transcripts); c.5136T>A, p.Asp1712Glu (NM_001407590.1, NM_001407591.1); c.5076T>A, p.Asp1692Glu (NM_001407593.1, NM_001407594.1, NM_001407596.1 and 7 more transcripts); c.5073T>A, p.Asp1691Glu (NM_001407616.1, NM_001407617.1, NM_001407618.1 and 17 more transcripts); c.5070T>A, p.Asp1690Glu (NM_001407635.1, NM_001407636.1, NM_001407637.1 and 14 more transcripts); c.5067T>A, p.Asp1689Glu (NM_001407644.1, NM_001407645.1); and 71 more; short protein forms D1645E, D588E, D1713E, D1692E, D1395E, D1563E, D1565E, D1602E.
Identifiers: ClinVar variation 864924 (VCV000864924.8), dbSNP rs2051937547, ClinGen allele CA10591372.
Genomic context (GRCh38, chr17:43,063,950, plus strand): 5'-CCATTTTCCTCCCGCAATTCCTAGAAAATATTTCAGTGTCCGTTCACACACAAACTCAGC[A>T]TCTGCAGAATGAAAAACACTCAAAGGATTAGAAGTTGAAAACAAAATCAGGAAGTGCTGT-3'
Protein context (NP_009225.1, residues 1682-1702): EETTHVVMKT[Asp1692Glu]AEFVCERTLK

ClinVar aggregate classification (germline): Conflicting classifications of pathogenicity. Review status: criteria provided, conflicting classifications (1 of 4 stars). 4 submissions from 4 submitters: Likely pathogenic (3); Uncertain significance (1). Last evaluated 2026-08-04.

Conditions:
Hereditary breast ovarian cancer syndrome. Also called: Hereditary breast and/or ovarian cancer syndrome; BRCA1- and BRCA2-Associated Hereditary Breast and Ovarian Cancer; Hereditary breast and ovarian cancer syndrome; Hereditary breast and ovarian cancer; Hereditary breast and ovarian cancer syndrome (HBOC); Breast and ovarian cancer. Identifiers: Orphanet 145, MedGen C0677776, MeSH D061325, MONDO:0003582. Disease mechanism: loss of function.
Breast-ovarian cancer, familial, susceptibility to, 1 (BROVCA1). Also called: BRCA1 Hereditary Breast and Ovarian Cancer; OVARIAN CANCER, SUSCEPTIBILITY TO. Identifiers: Orphanet 145, MedGen C2676676, MONDO:0011450, OMIM 604370. Disease mechanism: loss of function.

Submissions (5):

Institute of Human Genetics, University of Leipzig Medical Center
Classification: Likely pathogenic for Breast-ovarian cancer, familial, susceptibility to, 1. Last evaluated: 2026-08-04. Review status: criteria provided, single submitter. Criteria: ACMG Guidelines, 2015. Collection method: clinical testing. Allele origin: unknown. Inheritance: Autosomal dominant inheritance. Affected: yes.
Comment: Criteria applied: PS3,PM2_SUP,PP3

German Consortium for Hereditary Breast and Ovarian Cancer, University Hospital Cologne
Classification: Likely pathogenic for Hereditary breast ovarian cancer syndrome. Last evaluated: 2026-02-10. Review status: criteria provided, single submitter. Criteria: ClinGen BRCA1 V1.1.0. Collection method: curation. Allele origin: germline.
Comment: This classification follows the ClinGen ENIGMA BRCA1 v1.1.0 classification scheme; We chose these criteria: PS3 (strong pathogenic): Missense variant predicted to alter splicing, functional data considered only from assays that measure effect via mRNA and protein. Reported by one calibrated study incorporating mRNA splicing effects to exhibit function similar to pathogenic control variants (PMID:30209399) (PS3 met)., PM2 (supporting pathogenic): absent from gnomAD v2/3/4, PP3 (supporting pathogenic): Splice AI AL =0.31 & DL =0.24

Labcorp Genetics (formerly Invitae), Labcorp
Classification: Uncertain significance for Hereditary breast ovarian cancer syndrome. Last evaluated: 2024-08-01. Review status: criteria provided, single submitter. Criteria: Invitae Variant Classification Sherloc (09022015). Collection method: clinical testing. Allele origin: germline.
Comment: This sequence change replaces aspartic acid, which is acidic and polar, with glutamic acid, which is acidic and polar, at codon 1692 of the BRCA1 protein (p.Asp1692Glu). This variant is not present in population databases (gnomAD no frequency). This variant has not been reported in the literature in individuals affected with BRCA1-related conditions. ClinVar contains an entry for this variant (Variation ID: 864924). An algorithm developed to predict the effect of missense changes on protein structure and function (PolyPhen-2) suggests that this variant is likely to be tolerated. Experimental studies have shown that this missense change affects BRCA1 function (PMID: 35196514). RNA analysis performed to evaluate the impact of this missense change on mRNA splicing indicates it does not significantly alter splicing (Invitae). In summary, the available evidence is currently insufficient to determine the role of this variant in disease. Therefore, it has been classified as a Variant of Uncertain Significance.

Myriad Genetics, Inc.
Classification: Likely pathogenic for Breast-ovarian cancer, familial, susceptibility to, 1. Last evaluated: 2023-06-28. Review status: criteria provided, single submitter. Criteria: Myriad Autosomal Dominant, Autosomal Recessive and X-Linked Classification Criteria (2023). Collection method: clinical testing. Allele origin: unknown.
Comment: This variant is considered likely pathogenic. Functional studies indicate this variant impacts protein function [PMID: 30209399, 35196514].

Brotman Baty Institute, University of Washington
No classification provided (evidence only). Condition: Breast-ovarian cancer, familial 1. Review status: no classification provided. Collection method: in vitro. Allele origin: not applicable. Functional consequence: functionally_abnormal. Not counted in ClinVar's aggregate classification.
ClinVar note: "not provided" was previously submitted as the classification for the variant. However, the classification appeared to be based only on an observation of functional data so it was converted to no classification on 2025-07-30.

Literature cited by the submitters: PubMed 35196514 (cited by Labcorp Genetics (formerly Invitae), Labcorp and Myriad Genetics, Inc.); PubMed 30209399 (cited by Myriad Genetics, Inc.).